The following is an entry in ClinVar:

ClinVar aggregate classification (germline): Uncertain significance (1 of 4 stars; one submission).

Conditions:
Brugada syndrome. Also called: Sudden unexplained nocturnal death syndrome; Sudden unexpected nocturnal death syndrome; Sudden Unexplained Death Syndrome; Sudden Unexplained Nocturnal Death Syndrome (SUNDS). Identifiers: Orphanet 130, MedGen C1142166, MONDO:0015263.

Allele frequency attached by ClinVar (database versions not stated): gnomAD exomes below 0.00001; TOPMed 0.00001.
gnomAD v4.1: 4 of 1,209,767 alleles (0.00033%); highest among the groups gnomAD compares: Non-Finnish European, 0.00045%; no homozygotes.

Submission:

Labcorp Genetics (formerly Invitae), Labcorp
Classification: Uncertain significance for Brugada syndrome. Last evaluated: 2023-09-22. Review status: criteria provided, single submitter. Criteria: Invitae Variant Classification Sherloc (09022015). Collection method: clinical testing. Allele origin: germline.
Comment: In summary, the available evidence is currently insufficient to determine the role of this variant in disease. Therefore, it has been classified as a Variant of Uncertain Significance. Algorithms developed to predict the effect of missense changes on protein structure and function output the following: SIFT: "Not Available"; PolyPhen-2: "Benign"; Align-GVGD: "Not Available". The proline amino acid residue is found in multiple mammalian species, which suggests that this missense change does not adversely affect protein function. This variant has not been reported in the literature in individuals affected with KCNE5-related conditions. This variant is not present in population databases (gnomAD no frequency). This sequence change replaces serine, which is neutral and polar, with proline, which is neutral and non-polar, at codon 95 of the KCNE5 protein (p.Ser95Pro).

NM_012282.4(KCNE5):c.283T>C (p.Ser95Pro)

Gene: KCNE5 (potassium voltage-gated channel subfamily E regulatory subunit 5; minus strand). Cytogenetic location: Xq23.
Variant type: single nucleotide variant.
Coding change: c.283T>C on transcript NM_012282.4 (MANE Select); coding-DNA position 283, T replaced by C.
Protein change: p.Ser95Pro; replaces serine 95 with proline.
Molecular consequence: missense variant.
Genome position (GRCh38, 1-based): chrX:109,624,738, A>G on the plus strand (T>C on the coding strand, the complement: KCNE5 is on the minus strand). VCF-style: chrX-109624738-A-G. GRCh37 (hg19) VCF-style: chrX-108867967-A-G.
Other names: short protein forms S95P.
Identifiers: ClinVar variation 2731482 (VCV002731482.3), dbSNP rs1397683645, ClinGen allele CA414213329.